The following is an entry in ClinVar:

NM_000875.5(IGF1R):c.418dup (p.Ala140fs)

Gene: IGF1R (insulin like growth factor 1 receptor; plus strand). Cytogenetic location: 15q26.3.
Variant type: Duplication.
Coding change: c.418dup on transcript NM_000875.5 (MANE Select); coding-DNA position 418, one base duplicated (G; older notation c.418dupG).
Protein change: p.Ala140fs; shifts the reading frame from alanine 140.
Molecular consequence: frameshift variant.
Genome position (GRCh38, 1-based): chr15:98,707,885, G duplicated; the last of 6 consecutive G bases (chr15:98,707,880-98,707,885); duplicating any one gives the same sequence. VCF-style (leftmost placement, unchanged base first): chr15-98707879-C-CG. GRCh37 (hg19) VCF-style: chr15-99251108-C-CG.
Other names: c.418dup, p.Ala140fs (NM_001291858.2); c.418dup (NM_000875.3); short protein forms A140fs.
Identifiers: ClinVar variation 593836 (VCV000593836.7), dbSNP rs746570875, ClinGen allele CA7751789.

ClinVar aggregate classification (germline): Pathogenic. Review status: criteria provided, multiple submitters, no conflicts (2 of 4 stars). 2 submissions from 2 submitters: Pathogenic (2). Last evaluated 2025-06-18.

Submissions (2):

GeneDx
Classification: Pathogenic. Last evaluated: 2025-06-18. Review status: criteria provided, single submitter. Criteria: GeneDx Variant Classification Process June 2021. Collection method: clinical testing. Allele origin: germline.
Comment: Frameshift variant predicted to result in protein truncation or nonsense mediated decay in a gene for which loss of function is a known mechanism of disease; Not observed at significant frequency in large population cohorts (gnomAD); This variant is associated with the following publications: (PMID: 23771920)

Eurofins Ntd Llc (ga)
Classification: Pathogenic. Last evaluated: 2017-09-08. Review status: criteria provided, single submitter. Criteria: EGL Classification Definitions 2015. Collection method: clinical testing. Allele origin: germline. Observed: 1 variant allele, 1 heterozygote.